The following is an entry in ClinVar:

NM_000213.5(ITGB4):c.1215+5G>A

Gene: ITGB4 (integrin subunit beta 4; plus strand). Cytogenetic location: 17q25.1.
Variant type: single nucleotide variant.
Coding change: c.1215+5G>A on transcript NM_000213.5 (MANE Select); 5 bases into the intron after coding-DNA position 1215, G replaced by A.
Molecular consequence: intron variant.
Genome position (GRCh38, 1-based): chr17:75,731,373, G>A. VCF-style: chr17-75731373-G-A. GRCh37 (hg19) VCF-style: chr17-73727454-G-A.
Other names: NC_000017.10:g.73727454G>A; c.1215+5G>A (NM_001005619.2, NM_001005731.3, NM_001438834.1 and 1 more transcripts).
Identifiers: ClinVar variation 1193059 (VCV001193059.4), dbSNP rs767613447, ClinGen allele CA8768912.
Genomic context (GRCh38, chr17:75,731,373, plus strand): 5'-CCAAGATGTTCCAGAAGACGAGGACTGGGTCCTTTCACATCCGGCGGGGGGAAGTGGTAC[G>A]CCTCTGTGGGGGCAGCGGGGTGGGGGATAGGCACAGCGCCCCACACCGAGTGGAATCGTT-3'

ClinVar aggregate classification (germline): Uncertain significance. Review status: criteria provided, multiple submitters, no conflicts (2 of 4 stars). 2 submissions from 2 submitters: Uncertain significance (2). Last evaluated 2024-02-10.

Conditions:
Junctional epidermolysis bullosa with pyloric atresia. Also called: APLASIA CUTIS CONGENITA WITH GASTROINTESTINAL ATRESIA; CARMI SYNDROME; Epidermolysis bullosa, junctional, with pyloric atresia and aplasia cutis congenita; Epidermolysis bullosa junctionalis with pyloric atresia; EPIDERMOLYSIS BULLOSA, JUNCTIONAL 5B, WITH PYLORIC ATRESIA; ITGB4-Related Epidermolysis Bullosa with Pyloric Atresia. Identifiers: Orphanet 79403, MedGen C5676875, MONDO:0009183, OMIM 226730.
Epidermolysis bullosa, junctional 5A, intermediate. Also called: EPIDERMOLYSIS BULLOSA, JUNCTIONAL 5A, GENERALIZED INTERMEDIATE; EPIDERMOLYSIS BULLOSA, JUNCTIONAL 5A, NON-HERLITZ TYPE. Identifiers: MedGen C5676956, MONDO:0030768, OMIM 619816.

Allele frequency attached by ClinVar (database versions not stated): gnomAD 0.00001; TOPMed 0.00002.
gnomAD v4.1: 45 of 1,609,556 alleles (0.0028%); highest among the groups gnomAD compares: Middle Eastern, 0.017%; no homozygotes.

Submissions (3):

Fulgent Genetics
Classification: Uncertain significance for Junctional epidermolysis bullosa with pyloric atresia; Epidermolysis bullosa, junctional 5A, intermediate. Last evaluated: 2024-02-10. Review status: criteria provided, single submitter. Criteria: ACMG Guidelines, 2015. Collection method: clinical testing. Allele origin: germline.

GeneDx
Classification: Uncertain significance. Last evaluated: 2021-06-09. Review status: criteria provided, single submitter. Criteria: GeneDx Variant Classification Process June 2021. Collection method: clinical testing. Allele origin: germline. Affected: yes.
Comment: Not observed at significant frequency in large population cohorts (Lek et al., 2016); In-silico analysis, which includes splice predictors and evolutionary conservation, is inconclusive as to whether the variant alters gene splicing. In the absence of RNA/functional studies, the actual effect of this sequence change is unknown.; Has not been previously published as pathogenic or benign to our knowledge

Dr. Peter K. Rogan Lab, Western University
No classification provided (evidence only). Condition: Squamous cell carcinoma of the head and neck. Review status: no classification provided. Collection method: in vitro. Allele origin: not applicable. Functional consequence: retained intron. Not counted in ClinVar's aggregate classification.